The following is an entry in ClinVar:

NM_024036.5(LRFN4):c.816C>T (p.Pro272=)

Genes: LRFN4 (leucine rich repeat and fibronectin type III domain containing 4; plus strand), PC (pyruvate carboxylase; minus strand). Cytogenetic location: 11q13.2.
Variant type: single nucleotide variant.
Coding change: c.816C>T on transcript NM_024036.5 (MANE Select); coding-DNA position 816, C replaced by T.
Protein change: p.Pro272=; no amino-acid change (proline 272 retained).
Molecular consequence: synonymous variant. On other transcripts: intron variant (3).
Genome position (GRCh38, 1-based): chr11:66,858,560, C>T. VCF-style: chr11-66858560-C-T. GRCh37 (hg19) VCF-style: chr11-66626031-C-T.
Other names: c.816C>T, p.Pro272= (NM_001363524.2); c.1369-5177G>A (NM_000920.4, NM_001040716.2, NM_022172.3).
Identifiers: ClinVar variation 2642009 (VCV002642009.24), dbSNP rs770206065, ClinGen allele CA6131574.

ClinVar aggregate classification (germline): Likely benign (1 of 4 stars; one submission).

Allele frequency attached by ClinVar (database versions not stated): ExAC 0.00047.
gnomAD v4.1: 82 of 1,532,994 alleles (0.0053%); highest among the groups gnomAD compares: South Asian, 0.069%; 1 homozygote.

Submission:

CeGaT Center for Human Genetics Tuebingen
Classification: Likely benign. Last evaluated: 2022-07-01. Review status: criteria provided, single submitter. Criteria: CeGaT Center For Human Genetics Tuebingen Variant Classification Criteria Version 2. Collection method: clinical testing. Allele origin: germline. Affected: yes. Observed: 1 variant allele.
Comment: LRFN4: BP4, BP7